The following is an entry in ClinVar:

ClinVar aggregate classification (germline): Uncertain significance (1 of 4 stars; one submission).

Submission:

Women's Health and Genetics/Laboratory Corporation of America, LabCorp
Classification: Uncertain significance. Last evaluated: 2026-03-04. Review status: criteria provided, single submitter. Criteria: LabCorp Variant Classification Summary - May 2015. Collection method: clinical testing. Allele origin: germline.
Comment: Variant summary: AEBP1 c.1110C>T alters a non-conserved nucleotide resulting in a synonymous change. Several computational tools predict a significant impact on normal splicing: Four predict the variant creates a cryptic 5' donor site. However, these predictions have yet to be confirmed by functional studies. The variant was absent in 245152 control chromosomes. The available data on variant occurrences in the general population are insufficient to allow any conclusion about variant significance. To our knowledge, no occurrence of c.1110C>T in individuals affected with AEBP1-related conditions and no experimental evidence demonstrating its impact on protein function have been reported. No submitters have cited clinical-significance assessments for this variant to ClinVar. Based on the evidence outlined above, the variant was classified as uncertain significance.

NM_001129.5(AEBP1):c.1110C>T (p.Gly370=)

Gene: AEBP1 (AE binding protein 1; plus strand). Cytogenetic location: 7p13.
Variant type: single nucleotide variant.
Coding change: c.1110C>T on transcript NM_001129.5 (MANE Select); coding-DNA position 1110, C replaced by T.
Protein change: p.Gly370=; no amino-acid change (glycine 370 retained).
Molecular consequence: synonymous variant.
Genome position (GRCh38, 1-based): chr7:44,109,301, C>T. VCF-style: chr7-44109301-C-T. GRCh37 (hg19) VCF-style: chr7-44148900-C-T.
Identifiers: ClinVar variation 4847491 (VCV004847491.1).